The following is an entry in ClinVar:

ClinVar aggregate classification (germline): Uncertain significance. Review status: criteria provided, multiple submitters, no conflicts (2 of 4 stars). 2 submissions from 2 submitters: Uncertain significance (2). Last evaluated 2024-02-07.

Allele frequency attached by ClinVar (database versions not stated): gnomAD exomes below 0.00001; TOPMed 0.00001.
gnomAD v4.1: 1 of 1,614,110 alleles (0.000062%); highest among the groups gnomAD compares: African/African-American, 0.0013%; no homozygotes.

Submissions (2):

GeneDx
Classification: Uncertain significance. Last evaluated: 2024-02-07. Review status: criteria provided, single submitter. Criteria: GeneDx Variant Classification Process June 2021. Collection method: clinical testing. Allele origin: germline. Affected: yes.
Comment: Not observed at significant frequency in large population cohorts (gnomAD); In silico analysis supports that this missense variant has a deleterious effect on protein structure/function; Has not been previously published as pathogenic or benign to our knowledge

Labcorp Genetics (formerly Invitae), Labcorp
Classification: Uncertain significance. Last evaluated: 2023-07-03. Review status: criteria provided, single submitter. Criteria: Invitae Variant Classification Sherloc (09022015). Collection method: clinical testing. Allele origin: germline.
Comment: Advanced modeling of protein sequence and biophysical properties (such as structural, functional, and spatial information, amino acid conservation, physicochemical variation, residue mobility, and thermodynamic stability) performed at Invitae indicates that this missense variant is expected to disrupt CTNNA1 protein function. This variant has not been reported in the literature in individuals affected with CTNNA1-related conditions. This variant is present in population databases (no rsID available, gnomAD 0.007%). This sequence change replaces alanine, which is neutral and non-polar, with threonine, which is neutral and polar, at codon 839 of the CTNNA1 protein (p.Ala839Thr). In summary, the available evidence is currently insufficient to determine the role of this variant in disease. Therefore, it has been classified as a Variant of Uncertain Significance.

NM_001903.5(CTNNA1):c.2515G>A (p.Ala839Thr)

Gene: CTNNA1 (catenin alpha 1; plus strand). Cytogenetic location: 5q31.2.
Variant type: single nucleotide variant.
Coding change: c.2515G>A on transcript NM_001903.5 (MANE Select); coding-DNA position 2515, G replaced by A.
Protein change: p.Ala839Thr; replaces alanine 839 with threonine.
Molecular consequence: missense variant. On other transcripts: 3 prime UTR variant (5).
Genome position (GRCh38, 1-based): chr5:138,933,883, G>A. VCF-style: chr5-138933883-G-A. GRCh37 (hg19) VCF-style: chr5-138269572-G-A.
Other names: c.*60G>A (NM_001290307.3, NM_001324002.1, NM_001324003.1 and 2 more transcripts); c.2206G>A, p.Ala736Thr (NM_001290309.3); c.2146G>A, p.Ala716Thr (NM_001290310.3); c.1405G>A, p.Ala469Thr (NM_001290312.1, NM_001323987.1, NM_001323988.1 and 12 more transcripts); c.2515G>A, p.Ala839Thr (NM_001323982.2, NM_001323983.1, NM_001323984.2); c.2488G>A, p.Ala830Thr (NM_001323985.2); c.2422G>A, p.Ala808Thr (NM_001323986.2); c.1270G>A, p.Ala424Thr (NM_001324001.1); and 4 more; short protein forms A356T, A388T, A808T, A424T, A438T, A469T, A716T, A839T.
Identifiers: ClinVar variation 2723096 (VCV002723096.4), dbSNP rs1245937649, ClinGen allele CA361135292.